The following is an entry in ClinVar:

ClinVar aggregate classification (germline): Uncertain significance. Review status: criteria provided, multiple submitters, no conflicts (2 of 4 stars). 2 submissions from 2 submitters: Uncertain significance (2). Last evaluated 2024-08-05.

Conditions:
Inborn genetic diseases. Identifiers: MedGen C0950123, MeSH D030342.

Allele frequency attached by ClinVar (database versions not stated): gnomAD exomes 0.00001; ExAC 0.00002.
gnomAD v4.1: 6 of 1,593,146 alleles (0.00038%); highest among the groups gnomAD compares: Admixed American, 0.0085%; no homozygotes.

Submissions (2):

Ambry Genetics
Classification: Uncertain significance for Inborn genetic diseases. Last evaluated: 2024-08-05. Review status: criteria provided, single submitter. Criteria: Ambry Variant Classification Scheme 2023. Collection method: clinical testing. Allele origin: germline.

Labcorp Genetics (formerly Invitae), Labcorp
Classification: Uncertain significance. Last evaluated: 2022-10-19. Review status: criteria provided, single submitter. Criteria: Invitae Variant Classification Sherloc (09022015). Collection method: clinical testing. Allele origin: germline.
Comment: This sequence change replaces histidine, which is basic and polar, with tyrosine, which is neutral and polar, at codon 161 of the HPS6 protein (p.His161Tyr). This variant is present in population databases (rs772438807, gnomAD 0.02%). This variant has not been reported in the literature in individuals affected with HPS6-related conditions. Advanced modeling of protein sequence and biophysical properties (such as structural, functional, and spatial information, amino acid conservation, physicochemical variation, residue mobility, and thermodynamic stability) performed at Invitae indicates that this missense variant is not expected to disrupt HPS6 protein function. In summary, the available evidence is currently insufficient to determine the role of this variant in disease. Therefore, it has been classified as a Variant of Uncertain Significance.

NM_024747.6(HPS6):c.481C>T (p.His161Tyr)

Gene: HPS6 (HPS6 biogenesis of lysosomal organelles complex 2 subunit 3; plus strand). Cytogenetic location: 10q24.32.
Variant type: single nucleotide variant.
Coding change: c.481C>T on transcript NM_024747.6 (MANE Select); coding-DNA position 481, C replaced by T.
Protein change: p.His161Tyr; replaces histidine 161 with tyrosine.
Molecular consequence: missense variant.
Genome position (GRCh38, 1-based): chr10:102,065,955, C>T. VCF-style: chr10-102065955-C-T. GRCh37 (hg19) VCF-style: chr10-103825712-C-T.
Other names: short protein forms H161Y.
Identifiers: ClinVar variation 2064606 (VCV002064606.2), dbSNP rs772438807, ClinGen allele CA5659789.